The following is an entry in ClinVar:

ClinVar aggregate classification (germline): Likely benign. Review status: criteria provided, multiple submitters, no conflicts (2 of 4 stars). 2 submissions from 2 submitters: Likely benign (2). Last evaluated 2026-01-05.

Conditions:
Hereditary nonpolyposis colorectal neoplasms. Identifiers: MedGen C0009405, MeSH D003123.
Lynch syndrome 5 (LYNCH5). Also called: Colorectal cancer, hereditary nonpolyposis, type 5; Hereditary non-polyposis colorectal cancer, type 5. Identifiers: Orphanet 144, MedGen C1833477, MONDO:0013710, OMIM 614350. Disease mechanism: loss of function.

Submissions (2):

Labcorp Genetics (formerly Invitae), Labcorp
Classification: Likely benign for Hereditary nonpolyposis colorectal neoplasms. Last evaluated: 2026-01-05. Review status: criteria provided, single submitter. Criteria: Invitae Variant Classification Sherloc (09022015). Collection method: clinical testing. Allele origin: germline.

Myriad Genetics, Inc.
Classification: Likely benign for Lynch syndrome 5. Last evaluated: 2025-01-03. Review status: criteria provided, single submitter. Criteria: Myriad Autosomal Dominant, Autosomal Recessive and X-Linked Classification Criteria (2023). Collection method: clinical testing. Allele origin: unknown.
Comment: This variant is considered likely benign. This variant is intronic and is not expected to impact mRNA splicing.

NM_000179.3(MSH6):c.3172+7C>G

Gene: MSH6 (mutS homolog 6; plus strand). Cytogenetic location: 2p16.3.
Variant type: single nucleotide variant.
Coding change: c.3172+7C>G on transcript NM_000179.3 (MANE Select); 7 bases into the intron after coding-DNA position 3172, C replaced by G.
Molecular consequence: intron variant.
Genome position (GRCh38, 1-based): chr2:47,801,162, C>G. VCF-style: chr2-47801162-C-G. GRCh37 (hg19) VCF-style: chr2-48028301-C-G.
Other names: c.2266+7C>G (NM_001281493.2, NM_001281494.2); c.2782+7C>G (NM_001281492.2).
Identifiers: ClinVar variation 1130049 (VCV001130049.10), dbSNP rs587780676, ClinGen allele CA346756767.